The following is an entry in ClinVar:

NM_001184.4(ATR):c.4912del (p.Gln1638fs)

Gene: ATR (ATR checkpoint kinase; minus strand). Cytogenetic location: 3q23.
Variant type: Deletion.
Coding change: c.4912del on transcript NM_001184.4 (MANE Select); coding-DNA position 4912, one base deleted (C; older notation c.4912delC).
Protein change: p.Gln1638fs; shifts the reading frame from glutamine 1638.
Molecular consequence: frameshift variant.
Genome position (GRCh38, 1-based): chr3:142,508,050, G deleted on the plus strand (C on the coding strand, the reverse complement: ATR is on the minus strand); the first of 4 consecutive G bases (chr3:142,508,050-142,508,053); deleting any one gives the same sequence. VCF-style (leftmost placement, unchanged base first): chr3-142508049-TG-T. GRCh37 (hg19) VCF-style: chr3-142226891-TG-T.
Other names: c.4720del, p.Gln1574fs (NM_001354579.2); short protein forms Q1574fs, Q1638fs.
Identifiers: ClinVar variation 4531210 (VCV004531210.2).

ClinVar aggregate classification (germline): Likely pathogenic (1 of 4 stars; one submission).

Conditions:
Familial cutaneous telangiectasia and oropharyngeal predisposition cancer syndrome. Identifiers: Orphanet 313846, MedGen C3281203, MONDO:0013806, OMIM 614564.
Seckel syndrome 1 (SCKL1). Also called: MICROCEPHALIC PRIMORDIAL DWARFISM I. Identifiers: Orphanet 808, MedGen C4551474, MONDO:0008869, OMIM 210600.

Submission:

Juno Genomics, Hangzhou Juno Genomics, Inc
Classification: Likely pathogenic for Familial cutaneous telangiectasia and oropharyngeal predisposition cancer syndrome; Seckel syndrome 1. Review status: criteria provided, single submitter. Criteria: ACMG Guidelines, 2015. Collection method: clinical testing. Allele origin: germline. Affected: yes.
Comment: Absent from controls (or at extremely low frequency if recessive) in Genome Aggregation Database, Exome Sequencing Project, 1000 Genomes Project, or Exome Aggregation Consortium.;Null variant in a gene where loss of function (LOF) is a known mechanism of disease.